The following is an entry in ClinVar:

ClinVar aggregate classification (germline): Conflicting classifications of pathogenicity. Review status: criteria provided, conflicting classifications (1 of 4 stars). 5 submissions from 5 submitters: Uncertain significance (4); Likely benign (1). Last evaluated 2026-03-21.

Conditions:
Geleophysic dysplasia 2 (GPHYSD2). Identifiers: Orphanet 2623, MedGen C3280054, MONDO:0013612, OMIM 614185.
Ectopia lentis 1, isolated, autosomal dominant (ECTOL1). Identifiers: Orphanet 1885, MedGen C3541518, MONDO:0007514, OMIM 129600.
MASS syndrome (OCTD). Also called: OVERLAP CONNECTIVE TISSUE DISEASE; MASS PHENOTYPE. Identifiers: MedGen C1858556, MONDO:0011431, OMIM 604308.
Weill-Marchesani syndrome 2, dominant. Also called: FBN1-Related Weill-Marchesani Syndrome; Weill-Marchesani Syndrome, Autosomal Dominant. Identifiers: Orphanet 2084, MedGen C1869115, MONDO:0012013, OMIM 608328.
Acromicric dysplasia (ACMICD). Also called: Acromicric skeletal dysplasia. Identifiers: Orphanet 969, MedGen C0265287, MONDO:0007055, OMIM 102370.
Marfan syndrome (MFS). Also called: FBN1-Related Marfan Syndrome; Marfan's syndrome; MARFAN SYNDROME, TYPE I; Marfan syndrome type 1; Marfan syndrome, classic. Identifiers: Orphanet 284963, Orphanet 558, MedGen C0024796, MONDO:0007947, OMIM 154700.
Stiff skin syndrome (SSKS). Identifiers: Orphanet 2833, MedGen C1861456, MONDO:0008492, OMIM 184900.
Progeroid and marfanoid aspect-lipodystrophy syndrome. Also called: MARFANOID-PROGEROID-LIPODYSTROPHY SYNDROME; Marfan lipodystrophy syndrome; MARFANOID-PROGEROID SYNDROME; MARFAN-PROGEROID-LIPODYSTROPHY SYNDROME. Identifiers: Orphanet 300382, MedGen C4310796, MONDO:0014831, OMIM 616914.
Familial thoracic aortic aneurysm and aortic dissection (TAAD). Also called: Thoracic aortic aneurysms and dissections. Identifiers: Orphanet 91387, MedGen C4707243, MONDO:0019625.

Allele frequency attached by ClinVar (database versions not stated): gnomAD exomes 0.00002 and 0.00004; TOPMed 0.00002; ExAC 0.00006.
gnomAD v4.1: 37 of 1,612,968 alleles (0.0023%); highest among the groups gnomAD compares: South Asian, 0.0044%; no homozygotes.

Submissions (5):

Ambry Genetics
Classification: Uncertain significance for Familial thoracic aortic aneurysm and aortic dissection. Last evaluated: 2026-03-21. Review status: criteria provided, single submitter. Criteria: Ambry Variant Classification Scheme 2023. Collection method: clinical testing. Allele origin: germline.
Comment: The p.I1948V variant (also known as c.5842A>G), located in coding exon 47 of the FBN1 gene, results from an A to G substitution at nucleotide position 5842. The isoleucine at codon 1948 is replaced by valine, an amino acid with highly similar properties. This amino acid position is conserved. In addition, this alteration is predicted to be tolerated by in silico analysis. Based on the available evidence, the clinical significance of this variant remains unclear.

Color Diagnostics, LLC DBA Color Health
Classification: Uncertain significance for Familial thoracic aortic aneurysm and aortic dissection. Last evaluated: 2025-08-25. Review status: criteria provided, single submitter. Criteria: ACMG Guidelines, 2015. Collection method: clinical testing. Allele origin: germline.
Comment: This missense variant replaces isoleucine with valine at codon 1948 of the FBN1 protein. Computational prediction suggests that this variant may not impact protein structure and function. To our knowledge, functional studies have not been reported for this variant. This variant has not been reported in individuals affected with FBN1-related disorders in the literature. This variant has been identified in 11/250900 chromosomes in the general population by the Genome Aggregation Database (gnomAD). The available evidence is insufficient to determine the role of this variant in disease conclusively. Therefore, this variant is classified as a Variant of Uncertain Significance.

Labcorp Genetics (formerly Invitae), Labcorp
Classification: Likely benign for Marfan syndrome; Familial thoracic aortic aneurysm and aortic dissection. Last evaluated: 2024-02-07. Review status: criteria provided, single submitter. Criteria: Invitae Variant Classification Sherloc (09022015). Collection method: clinical testing. Allele origin: germline.

All of Us Research Program, National Institutes of Health
Classification: Uncertain significance for Marfan syndrome. Last evaluated: 2023-05-04. Review status: criteria provided, single submitter. Criteria: ACMG Guidelines, 2015. Collection method: clinical testing. Allele origin: germline. Inheritance: Autosomal dominant inheritance. Observed: 1 variant allele, 1 heterozygote.
Comment: This missense variant replaces isoleucine with valine at codon 1948 of the FBN1 protein. Computational prediction suggests that this variant may not impact protein structure and function (internally defined REVEL score threshold <= 0.5, PMID: 27666373). To our knowledge, functional studies have not been performed for this variant. This variant has not been reported in individuals affected with cardiovascular disorders in the literature. This variant has been identified in 11/250900 chromosomes in the general population by the Genome Aggregation Database (gnomAD). The available evidence is insufficient to determine the role of this variant in disease conclusively. Therefore, this variant is classified as a Variant of Uncertain Significance.

This study involves interpretation of variants in research participants for the purpose of population health screening. Participant phenotype was not available at the time of variant classification. Additional details can be found in publication PMID: 35346344, PMCID: PMC8962531

Fulgent Genetics
Classification: Uncertain significance for Acromicric dysplasia; Ectopia lentis 1, isolated, autosomal dominant; Marfan syndrome; Stiff skin syndrome; MASS syndrome; Weill-Marchesani syndrome 2, dominant; Geleophysic dysplasia 2; Progeroid and marfanoid aspect-lipodystrophy syndrome. Last evaluated: 2021-10-02. Review status: criteria provided, single submitter. Criteria: ACMG Guidelines, 2015. Collection method: clinical testing. Allele origin: unknown.

NM_000138.5(FBN1):c.5842A>G (p.Ile1948Val)

Gene: FBN1 (fibrillin 1; minus strand). Cytogenetic location: 15q21.1.
Variant type: single nucleotide variant.
Coding change: c.5842A>G on transcript NM_000138.5 (MANE Select); coding-DNA position 5842, A replaced by G.
Protein change: p.Ile1948Val; replaces isoleucine 1948 with valine.
Molecular consequence: missense variant.
Genome position (GRCh38, 1-based): chr15:48,445,451, T>C on the plus strand (A>G on the coding strand, the complement: FBN1 is on the minus strand). VCF-style: chr15-48445451-T-C. GRCh37 (hg19) VCF-style: chr15-48737648-T-C.
Other names: short protein forms I1948V.
Identifiers: ClinVar variation 834675 (VCV000834675.19), dbSNP rs766850261, ClinGen allele CA055746.